The following is an entry in ClinVar:

NM_000156.6(GAMT):c.440_441dup (p.Gln148fs)

Gene: GAMT (guanidinoacetate N-methyltransferase; minus strand). Cytogenetic location: 19p13.3.
Variant type: Microsatellite.
Coding change: c.440_441dup on transcript NM_000156.6 (MANE Select); coding-DNA positions 440 to 441, 2 bases duplicated (AC; older notation c.440_441dupAC).
Protein change: p.Gln148fs; shifts the reading frame from glutamine 148.
Molecular consequence: frameshift variant.
Genome position (GRCh38, 1-based): chr19:1,399,146-1,399,147, GT duplicated on the plus strand (AC on the coding strand, the reverse complement: GAMT is on the minus strand); duplicating any 2 consecutive bases within chr19:1,399,146-1,399,154 gives the same sequence; the c. name uses the placement nearest the transcript's 3' end. VCF-style (leftmost placement, unchanged base first): chr19-1399145-G-GGT. GRCh37 (hg19) VCF-style: chr19-1399144-G-GGT.
Other names: c.440_441dup, p.Gln148fs (NM_138924.3); short protein forms Q148fs.
Identifiers: ClinVar variation 1453224 (VCV001453224.6), dbSNP rs1487842051, ClinGen allele CA2580612585.
Genomic context (GRCh38, chr19:1,399,145, plus strand): 5'-TCCCCGAGGGCCTCCCGCATCCCAGCAAGTCAGAGAGAACCACCTTGATGAAGTTGAACT[G>GGT]GTGTGTGTGCCAGGTCTCCTCCGAGAGTGGGTACGTGTCGTACAGGATCCCTGCACGGAG-3'

ClinVar aggregate classification (germline): Pathogenic (1 of 4 stars; one submission).

Conditions:
Cerebral creatine deficiency syndrome. Also called: Creatine deficiency syndromes. Identifiers: Orphanet 79172, MedGen C5244016, MONDO:0000456.

Submission:

Labcorp Genetics (formerly Invitae), Labcorp
Classification: Pathogenic for Cerebral creatine deficiency syndrome. Last evaluated: 2021-12-12. Review status: criteria provided, single submitter. Criteria: Invitae Variant Classification Sherloc (09022015). Collection method: clinical testing. Allele origin: germline.
Comment: This sequence change creates a premature translational stop signal (p.Gln148Thrfs*14) in the GAMT gene. It is expected to result in an absent or disrupted protein product. Loss-of-function variants in GAMT are known to be pathogenic (PMID: 15108290). This variant is not present in population databases (gnomAD no frequency). This variant has not been reported in the literature in individuals affected with GAMT-related conditions. For these reasons, this variant has been classified as Pathogenic.

Literature cited by the submitters: PubMed 15108290.